The following is an entry in ClinVar:

NM_033026.6(PCLO):c.14251G>T (p.Ala4751Ser)

Gene: PCLO (piccolo presynaptic cytomatrix protein; minus strand). Cytogenetic location: 7q21.11.
Variant type: single nucleotide variant.
Coding change: c.14251G>T on transcript NM_033026.6 (MANE Select); coding-DNA position 14251, G replaced by T.
Protein change: p.Ala4751Ser; replaces alanine 4751 with serine.
Molecular consequence: missense variant.
Genome position (GRCh38, 1-based): chr7:82,827,965, C>A on the plus strand (G>T on the coding strand, the complement: PCLO is on the minus strand). VCF-style: chr7-82827965-C-A. GRCh37 (hg19) VCF-style: chr7-82457281-C-A.
Other names: c.14251G>T, p.Ala4751Ser (NM_014510.3); short protein forms A4751S.
Identifiers: ClinVar variation 2082121 (VCV002082121.4), dbSNP rs2535275939, ClinGen allele CA368020976.
Genomic context (GRCh38, chr7:82,827,965, plus strand): 5'-TTTGATTCCACTCAGGATTAAGACTTTTCTGGACATGTTTAGTCCTTCTCTTGTACTCAG[C>A]ACTGAATTGGGAGAAAAGAAAGAGTTATCTTGATTATTCACCTTAGTTTATGACTTCACA-3'
Protein context (NP_149015.2, residues 4741-4761): GQVMVVQNAS[Ala4751Ser]EYKRRTKHVQ

ClinVar aggregate classification (germline): Uncertain significance (1 of 4 stars; one submission).

Submission:

Labcorp Genetics (formerly Invitae), Labcorp
Classification: Uncertain significance. Last evaluated: 2022-01-13. Review status: criteria provided, single submitter. Criteria: Invitae Variant Classification Sherloc (09022015). Collection method: clinical testing. Allele origin: germline.
Comment: This sequence change replaces alanine, which is neutral and non-polar, with serine, which is neutral and polar, at codon 4751 of the PCLO protein (p.Ala4751Ser). This variant is not present in population databases (gnomAD no frequency). This variant has not been reported in the literature in individuals affected with PCLO-related conditions. Algorithms developed to predict the effect of missense changes on protein structure and function are either unavailable or do not agree on the potential impact of this missense change (SIFT: "Deleterious"; PolyPhen-2: "Not Available"; Align-GVGD: "Class C0"). In summary, the available evidence is currently insufficient to determine the role of this variant in disease. Therefore, it has been classified as a Variant of Uncertain Significance.